The following is an entry in ClinVar:

NM_003611.3(OFD1):c.2944G>A (p.Val982Ile)

Gene: OFD1 (OFD1 centriole and centriolar satellite protein; plus strand). Cytogenetic location: Xp22.2.
Variant type: single nucleotide variant.
Coding change: c.2944G>A on transcript NM_003611.3 (MANE Select); coding-DNA position 2944, G replaced by A.
Protein change: p.Val982Ile; replaces valine 982 with isoleucine.
Molecular consequence: missense variant.
Genome position (GRCh38, 1-based): chrX:13,768,733, G>A. VCF-style: chrX-13768733-G-A. GRCh37 (hg19) VCF-style: chrX-13786852-G-A.
Other names: c.2824G>A, p.Val942Ile (NM_001330209.2); c.2524G>A, p.Val842Ile (NM_001330210.2); short protein forms V942I, V842I, V982I.
Identifiers: ClinVar variation 1797955 (VCV001797955.4), dbSNP rs2519003782, ClinGen allele CA412314499.

ClinVar aggregate classification (germline): Uncertain significance. Review status: criteria provided, multiple submitters, no conflicts (2 of 4 stars). 3 submissions from 3 submitters: Uncertain significance (3). Last evaluated 2024-05-31.

Conditions:
Primary ciliary dyskinesia. Also called: Ciliary dyskinesia. Identifiers: Orphanet 244, MedGen C0008780, MONDO:0016575, HP:0012265.
Simpson-Golabi-Behmel syndrome type 2. Identifiers: Orphanet 79022, MedGen C1846175, MONDO:0010265, OMIM 300209.
Orofaciodigital syndrome I (OFD1). Also called: Papillon-Leage and Psaume Syndrome; Oral-Facial-Digital Syndrome Type I; OFDS I. Identifiers: Orphanet 2750, MedGen C1510460, MONDO:0010702, OMIM 311200.
Retinitis pigmentosa 23 (RP23). Identifiers: Orphanet 791, MedGen C1419610, MONDO:0010320, OMIM 300424.
Joubert syndrome 10 (JBTS10). Identifiers: Orphanet 2754, MedGen C2749019, MONDO:0010431, OMIM 300804.

Submissions (3):

Fulgent Genetics
Classification: Uncertain significance for Simpson-Golabi-Behmel syndrome type 2; Retinitis pigmentosa 23; Joubert syndrome 10; Orofaciodigital syndrome I. Last evaluated: 2024-05-31. Review status: criteria provided, single submitter. Criteria: ACMG Guidelines, 2015. Collection method: clinical testing. Allele origin: germline.

GeneDx
Classification: Uncertain significance. Last evaluated: 2022-09-25. Review status: criteria provided, single submitter. Criteria: GeneDx Variant Classification Process June 2021. Collection method: clinical testing. Allele origin: germline. Affected: yes.
Comment: Not observed at significant frequency in large population cohorts (gnomAD); In silico analysis supports that this missense variant does not alter protein structure/function; Has not been previously published as pathogenic or benign to our knowledge

Ambry Genetics
Classification: Uncertain significance for Primary ciliary dyskinesia. Last evaluated: 2019-11-12. Review status: criteria provided, single submitter. Criteria: Ambry Variant Classification Scheme 2023. Collection method: clinical testing. Allele origin: germline.
Comment: The p.V982I variant (also known as c.2944G>A), located in coding exon 22 of the OFD1 gene, results from a G to A substitution at nucleotide position 2944. The valine at codon 982 is replaced by isoleucine, an amino acid with highly similar properties. This amino acid position is not well conserved in available vertebrate species. In addition, this alteration is predicted to be tolerated by in silico analysis. Since supporting evidence is limited at this time, the clinical significance of this alteration remains unclear.